The following is an entry in ClinVar:

ClinVar aggregate classification (germline): Likely pathogenic (1 of 4 stars; one submission).

Submission:

CeGaT Center for Human Genetics Tuebingen
Classification: Likely pathogenic. Last evaluated: 2023-01-01. Review status: criteria provided, single submitter. Criteria: CeGaT Center For Human Genetics Tuebingen Variant Classification Criteria Version 2. Collection method: clinical testing. Allele origin: germline. Affected: yes. Observed: 1 variant allele.
Comment: JAK3: PM1, PM2, PP3, PS3:Supporting, PS4:Supporting

NM_000215.4(JAK3):c.2624T>A (p.Leu875His)

Gene: JAK3 (Janus kinase 3; minus strand). Cytogenetic location: 19p13.11.
Variant type: single nucleotide variant.
Coding change: c.2624T>A on transcript NM_000215.4 (MANE Select); coding-DNA position 2624, T replaced by A.
Protein change: p.Leu875His; replaces leucine 875 with histidine.
Molecular consequence: missense variant.
Genome position (GRCh38, 1-based): chr19:17,832,575, A>T on the plus strand (T>A on the coding strand, the complement: JAK3 is on the minus strand). VCF-style: chr19-17832575-A-T. GRCh37 (hg19) VCF-style: chr19-17943384-A-T.
Other names: short protein forms L875H.
Identifiers: ClinVar variation 2498766 (VCV002498766.28), dbSNP rs2514549413, ClinGen allele CA404766220.